The following is an entry in ClinVar:

ClinVar aggregate classification (germline): Pathogenic/Likely pathogenic. Review status: criteria provided, multiple submitters, no conflicts (2 of 4 stars). 2 submissions from 2 submitters: Pathogenic (1); Likely pathogenic (1). Last evaluated 2020-02-28.

Conditions:
Developmental and epileptic encephalopathy 92. Also called: EPILEPTIC ENCEPHALOPATHY, INFANTILE OR EARLY CHILDHOOD, 2. Identifiers: MedGen C4693362, MONDO:0020631, OMIM 617829.

Submissions (2):

Beijing Key Laboratry for Genetics of Birth Defects, Beijing Children's Hospital
Classification: Pathogenic for Developmental and epileptic encephalopathy 92. Last evaluated: 2020-02-28. Review status: criteria provided, single submitter. Criteria: ACMG Guidelines, 2015. Collection method: clinical testing. Allele origin: de novo. Affected: yes. Observed: 1 variant allele.

GeneDx
Classification: Likely pathogenic. Last evaluated: 2016-03-17. Review status: criteria provided, single submitter. Criteria: GeneDx Variant Classification (06012015). Collection method: clinical testing. Allele origin: germline. Affected: yes.
Comment: The K303N variant in the GABRB2 gene has not been reported previously as a pathogenic variant, nor as a benign variant, to our knowledge. The K303N variant was not observed in approximately 6500 individuals of European and African American ancestry in the NHLBI Exome Sequencing Project, indicating it is not a common benign variant in these populations. The K303N variant is a semi-conservative amino acid substitution, which may impact secondary protein structure as these residues differ in some properties. This substitution occurs at a position that is conserved across species and in silico analysis predicts this variant is probably damaging to the protein structure/function. The K303N variant is a strong candidate for a pathogenic variant

NM_001371727.1(GABRB2):c.909G>T (p.Lys303Asn)

Gene: GABRB2 (gamma-aminobutyric acid type A receptor subunit beta2; minus strand). Cytogenetic location: 5q34.
Variant type: single nucleotide variant.
Coding change: c.909G>T on transcript NM_001371727.1 (MANE Select); coding-DNA position 909, G replaced by T.
Protein change: p.Lys303Asn; replaces lysine 303 with asparagine.
Molecular consequence: missense variant.
Genome position (GRCh38, 1-based): chr5:161,331,051, C>A on the plus strand (G>T on the coding strand, the complement: GABRB2 is on the minus strand). VCF-style: chr5-161331051-C-A. GRCh37 (hg19) VCF-style: chr5-160758058-C-A.
Other names: c.909G>T, p.Lys303Asn (NM_000813.3, NM_021911.3); short protein forms K303N.
Identifiers: ClinVar variation 265166 (VCV000265166.4), dbSNP rs886039375, ClinGen allele CA10588395.
Genomic context (GRCh38, chr5:161,331,051, plus strand): 5'-ATATTCCAGAAGGGCCATGAAAACGAAGACAAAGCACCCCATCAGGTACATGTCAATGGC[C>A]TTCACATAGGGGATTTTAGGGAGAGTTTCCCGGAGGTGGGTGTTGATTGTGGTCATTGTG-3'
Protein context (NP_001358656.1, residues 293-313): RETLPKIPYV[Lys303Asn]AIDMYLMGCF